The following is an entry in ClinVar:

NM_006904.7(PRKDC):c.3064G>A (p.Asp1022Asn)

Gene: PRKDC (protein kinase, DNA-activated, catalytic subunit; minus strand). Cytogenetic location: 8q11.21.
Variant type: single nucleotide variant.
Coding change: c.3064G>A on transcript NM_006904.7 (MANE Select); coding-DNA position 3064, G replaced by A.
Protein change: p.Asp1022Asn; replaces aspartic acid 1022 with asparagine.
Molecular consequence: missense variant.
Genome position (GRCh38, 1-based): chr8:47,902,774, C>T on the plus strand (G>A on the coding strand, the complement: PRKDC is on the minus strand). VCF-style: chr8-47902774-C-T. GRCh37 (hg19) VCF-style: chr8-48815334-C-T.
Other names: c.3064G>A, p.Asp1022Asn (NM_001081640.2); short protein forms D1022N.
Identifiers: ClinVar variation 2497385 (VCV002497385.2), dbSNP rs754508869, ClinGen allele CA371157120.
Genomic context (GRCh38, chr8:47,902,774, plus strand): 5'-TAATGGACCATTTAAGGAATTCTCGAATACACCGACCACAAAAATCTCTTAAAGTACTGT[C>T]AACAGGGTCCACAATTCCATCCTGAAACAAAACAAAGAGACCTTGATTGTACTAATTTTT-3'
Protein context (NP_008835.5, residues 1012-1032): AILDGIVDPV[Asp1022Asn]STLRDFCGRC

ClinVar aggregate classification (germline): Uncertain significance (1 of 4 stars; one submission).

Submission:

Ambry Genetics
Classification: Uncertain significance. Last evaluated: 2023-02-03. Review status: criteria provided, single submitter. Criteria: Ambry Variant Classification Scheme 2023. Collection method: clinical testing. Allele origin: germline.
Comment: The p.D1022N variant (also known as c.3064G>A), located in coding exon 27 of the PRKDC gene, results from a G to A substitution at nucleotide position 3064. The aspartic acid at codon 1022 is replaced by asparagine, an amino acid with highly similar properties. This amino acid position is conserved. In addition, this alteration is predicted to be tolerated by in silico analysis. Since supporting evidence is limited at this time, the clinical significance of this alteration remains unclear.